The following is an entry in ClinVar:

ClinVar aggregate classification (germline): Uncertain significance (1 of 4 stars; one submission).

gnomAD v4.1: 1 of 1,613,846 alleles (0.000062%); highest among the groups gnomAD compares: African/African-American, 0.0013%; no homozygotes.

Submission:

Ambry Genetics
Classification: Uncertain significance. Last evaluated: 2025-07-13. Review status: criteria provided, single submitter. Criteria: Ambry Variant Classification Scheme 2023. Collection method: clinical testing. Allele origin: germline.
Comment: The p.Y1656F variant (also known as c.4967A>T), located in coding exon 21 of the WNK2 gene, results from an A to T substitution at nucleotide position 4967. The tyrosine at codon 1656 is replaced by phenylalanine, an amino acid with highly similar properties. This amino acid position is conserved. In addition, this alteration is predicted to be tolerated by in silico analysis. Based on the available evidence, the clinical significance of this variant remains unclear.

NM_006648.4(WNK2):c.4967A>T (p.Tyr1656Phe)

Gene: WNK2 (WNK lysine deficient protein kinase 2; plus strand). Cytogenetic location: 9q22.31.
Variant type: single nucleotide variant.
Coding change: c.4967A>T on transcript NM_006648.4 (MANE Select); coding-DNA position 4967, A replaced by T.
Protein change: p.Tyr1656Phe; replaces tyrosine 1656 with phenylalanine.
Molecular consequence: missense variant.
Genome position (GRCh38, 1-based): chr9:93,292,338, A>T. VCF-style: chr9-93292338-A-T. GRCh37 (hg19) VCF-style: chr9-96054620-A-T.
Other names: c.5078A>T, p.Tyr1693Phe (NM_001282394.3); short protein forms Y1656F, Y1693F.
Identifiers: ClinVar variation 3817292 (VCV003817292.2).